The following is an entry in ClinVar:

ClinVar aggregate classification (germline): Uncertain significance (1 of 4 stars; one submission).

Conditions:
Neuronal ceroid lipofuscinosis. Also called: Neuronal Ceroid Lipofuscinoses. Identifiers: Orphanet 216, Orphanet 79263, MedGen C0027877, MONDO:0016295. Disease mechanism: loss of function.

Submission:

Labcorp Genetics (formerly Invitae), Labcorp
Classification: Uncertain significance for Neuronal ceroid lipofuscinosis. Last evaluated: 2022-01-11. Review status: criteria provided, single submitter. Criteria: Invitae Variant Classification Sherloc (09022015). Collection method: clinical testing. Allele origin: germline.
Comment: This sequence change replaces phenylalanine, which is neutral and non-polar, with valine, which is neutral and non-polar, at codon 298 of the CLN5 protein (p.Phe298Val). This variant has not been reported in the literature in individuals affected with CLN5-related conditions. This variant is not present in population databases (gnomAD no frequency). In summary, the available evidence is currently insufficient to determine the role of this variant in disease. Therefore, it has been classified as a Variant of Uncertain Significance. Algorithms developed to predict the effect of sequence changes on RNA splicing suggest that this variant may create or strengthen a splice site. Algorithms developed to predict the effect of missense changes on protein structure and function are either unavailable or do not agree on the potential impact of this missense change (SIFT: "Deleterious"; PolyPhen-2: "Probably Damaging"; Align-GVGD: "Class C0").

NM_006493.4(CLN5):c.745T>G (p.Phe249Val)

Gene: CLN5 (CLN5 lysosomal BMP synthase; plus strand). Cytogenetic location: 13q22.3.
Variant type: single nucleotide variant.
Coding change: c.745T>G on transcript NM_006493.4 (MANE Select); coding-DNA position 745, T replaced by G.
Protein change: p.Phe249Val; replaces phenylalanine 249 with valine.
Molecular consequence: missense variant. On other transcripts: 3 prime UTR variant (1).
Genome position (GRCh38, 1-based): chr13:77,000,637, T>G. VCF-style: chr13-77000637-T-G. GRCh37 (hg19) VCF-style: chr13-77574772-T-G.
Other names: c.*194T>G (NM_001366624.2); short protein forms F249V, F298V.
Identifiers: ClinVar variation 2079589 (VCV002079589.4), dbSNP rs2501155715, ClinGen allele CA388312796.